The following is an entry in ClinVar:

ClinVar aggregate classification (germline): Uncertain significance. Review status: criteria provided, multiple submitters, no conflicts (2 of 4 stars). 2 submissions from 2 submitters: Uncertain significance (2). Last evaluated 2025-02-12.

Conditions:
Parkinsonism-dystonia, infantile. Identifiers: Orphanet 238455, MedGen C2751067, MONDO:0013150.
Inborn genetic diseases. Identifiers: MedGen C0950123, MeSH D030342.

Allele frequency attached by ClinVar (database versions not stated): ExAC 0.00001.
gnomAD v4.1: 2 of 1,614,082 alleles (0.00012%); highest among the groups gnomAD compares: East Asian, 0.0045%; no homozygotes.

Submissions (2):

Ambry Genetics
Classification: Uncertain significance for Inborn genetic diseases. Last evaluated: 2025-02-12. Review status: criteria provided, single submitter. Criteria: Ambry Variant Classification Scheme 2023. Collection method: clinical testing. Allele origin: germline.

Labcorp Genetics (formerly Invitae), Labcorp
Classification: Uncertain significance for Parkinsonism-dystonia, infantile. Last evaluated: 2021-12-27. Review status: criteria provided, single submitter. Criteria: Invitae Variant Classification Sherloc (09022015). Collection method: clinical testing. Allele origin: germline.
Comment: In summary, the available evidence is currently insufficient to determine the role of this variant in disease. Therefore, it has been classified as a Variant of Uncertain Significance. Algorithms developed to predict the effect of missense changes on protein structure and function are either unavailable or do not agree on the potential impact of this missense change (SIFT: "Deleterious"; PolyPhen-2: "Benign"; Align-GVGD: "Class C0"). This variant has not been reported in the literature in individuals affected with SLC6A3-related conditions. This variant is present in population databases (rs751060245, gnomAD 0.01%). This sequence change replaces alanine, which is neutral and non-polar, with serine, which is neutral and polar, at codon 565 of the SLC6A3 protein (p.Ala565Ser).

NM_001044.5(SLC6A3):c.1693G>T (p.Ala565Ser)

Gene: SLC6A3 (solute carrier family 6 member 3). Cytogenetic location: 5p15.33.
Variant type: single nucleotide variant.
Coding change: c.1693G>T on transcript NM_001044.5 (MANE Select); coding-DNA position 1693, G replaced by T.
Protein change: p.Ala565Ser; replaces alanine 565 with serine.
Molecular consequence: missense variant.
Genome position (GRCh38, 1-based): chr5:1,402,996, C>A on the plus strand (G>T on the coding strand, the complement: SLC6A3 is on the minus strand). VCF-style: chr5-1402996-C-A. GRCh37 (hg19) VCF-style: chr5-1403111-C-A.
Other names: c.1693G>T (NM_001044.4); short protein forms A565S.
Identifiers: ClinVar variation 2055174 (VCV002055174.5), dbSNP rs751060245, ClinGen allele CA3185946.
Genomic context (GRCh38, chr5:1,402,996, plus strand): 5'-CAGGCAGGCTGCAGAACTTGTAGGCCGCATAGATGGGCACCATGGCCATGGAGGATGTGG[C>A]GATGACCCAGCCCAGCGCGTTGGCCCAGTCGGGGAAGATGTAGGCTCCGTAGTGGGGGGG-3'
Protein context (NP_001035.1, residues 555-575): DWANALGWVI[Ala565Ser]TSSMAMVPIY